The following is an entry in ClinVar:

NM_001098633.4(AKT1S1):c.48C>T (p.Ala16=)

Gene: AKT1S1 (AKT1 substrate 1; minus strand). Cytogenetic location: 19q13.33.
Variant type: single nucleotide variant.
Coding change: c.48C>T on transcript NM_001098633.4 (MANE Select); coding-DNA position 48, C replaced by T.
Protein change: p.Ala16=; no amino-acid change (alanine 16 retained).
Molecular consequence: synonymous variant.
Genome position (GRCh38, 1-based): chr19:49,873,248, G>A on the plus strand (C>T on the coding strand, the complement: AKT1S1 is on the minus strand). VCF-style: chr19-49873248-G-A. GRCh37 (hg19) VCF-style: chr19-50376505-G-A.
Other names: c.48C>T, p.Ala16= (NM_001098632.2, NM_001278159.2, NM_001278160.2); c.108C>T, p.Ala36= (NM_032375.5).
Identifiers: ClinVar variation 2650291 (VCV002650291.24), dbSNP rs376815125, ClinGen allele CA9587369.

ClinVar aggregate classification (germline): Likely benign (1 of 4 stars; one submission).

Allele frequency attached by ClinVar (database versions not stated): ESP Exome Variant Server 0.00029; 1000 Genomes Project 30x 0.00031; gnomAD 0.00033; 1000 Genomes Project 0.00040; TOPMed 0.00041; ExAC 0.00043.
gnomAD v4.1: 230 of 1,535,062 alleles (0.015%); highest among the groups gnomAD compares: African/African-American, 0.11%; no homozygotes.

Submission:

CeGaT Center for Human Genetics Tuebingen
Classification: Likely benign. Last evaluated: 2023-04-01. Review status: criteria provided, single submitter. Criteria: CeGaT Center For Human Genetics Tuebingen Variant Classification Criteria Version 2. Collection method: clinical testing. Allele origin: germline. Affected: yes. Observed: 1 variant allele.
Comment: AKT1S1: BP4, BP7